The following is an entry in ClinVar:

ClinVar aggregate classification (germline): Uncertain significance (1 of 4 stars; one submission).

Conditions:
Hereditary cancer-predisposing syndrome. Also called: Neoplastic Syndromes, Hereditary; Tumor predisposition; Hereditary Cancer Syndrome; Hereditary neoplastic syndrome. Identifiers: Orphanet 140162, MedGen C0027672, MeSH D009386, MONDO:0015356.

Submission:

Ambry Genetics
Classification: Uncertain significance for Hereditary cancer-predisposing syndrome. Last evaluated: 2019-06-21. Review status: criteria provided, single submitter. Criteria: Ambry Variant Classification Scheme 2023. Collection method: clinical testing. Allele origin: germline.
Comment: The p.S377C variant (also known as c.1129A>T), located in coding exon 10 of the MRE11A gene, results from an A to T substitution at nucleotide position 1129. The serine at codon 377 is replaced by cysteine, an amino acid with dissimilar properties. This amino acid position is poorly conserved in available vertebrate species. In addition, this alteration is predicted to be tolerated by in silico analysis. Since supporting evidence is limited at this time, the clinical significance of this alteration remains unclear.

NM_005591.4(MRE11):c.1129A>T (p.Ser377Cys)

Gene: MRE11 (MRE11 double strand break repair nuclease; minus strand). Cytogenetic location: 11q21.
Variant type: single nucleotide variant.
Coding change: c.1129A>T on transcript NM_005591.4 (MANE Select); coding-DNA position 1129, A replaced by T.
Protein change: p.Ser377Cys; replaces serine 377 with cysteine.
Molecular consequence: missense variant.
Genome position (GRCh38, 1-based): chr11:94,464,209, T>A on the plus strand (A>T on the coding strand, the complement: MRE11 is on the minus strand). VCF-style: chr11-94464209-T-A. GRCh37 (hg19) VCF-style: chr11-94197375-T-A.
Other names: c.1129A>T, p.Ser377Cys (NM_001330347.2, NM_005590.4); short protein forms S377C.
Identifiers: ClinVar variation 1799587 (VCV001799587.2), dbSNP rs754522007, ClinGen allele CA382372979.